The following is an entry in ClinVar:

NM_000179.3(MSH6):c.2617G>C (p.Gly873Arg)

Gene: MSH6 (mutS homolog 6; plus strand). Cytogenetic location: 2p16.3.
Variant type: single nucleotide variant.
Coding change: c.2617G>C on transcript NM_000179.3 (MANE Select); coding-DNA position 2617, G replaced by C.
Protein change: p.Gly873Arg; replaces glycine 873 with arginine.
Molecular consequence: missense variant.
Genome position (GRCh38, 1-based): chr2:47,800,600, G>C. VCF-style: chr2-47800600-G-C. GRCh37 (hg19) VCF-style: chr2-48027739-G-C.
Other names: c.2227G>C, p.Gly743Arg (NM_001281492.2); c.1711G>C, p.Gly571Arg (NM_001281493.2, NM_001281494.2); short protein forms G743R, G571R, G873R.
Identifiers: ClinVar variation 1355936 (VCV001355936.9), dbSNP rs1669488739, ClinGen allele CA346755012.

ClinVar aggregate classification (germline): Uncertain significance. Review status: criteria provided, multiple submitters, no conflicts (2 of 4 stars). 2 submissions from 2 submitters: Uncertain significance (2). Last evaluated 2025-08-21.

Conditions:
Hereditary nonpolyposis colorectal neoplasms. Identifiers: MedGen C0009405, MeSH D003123.
Lynch syndrome. Identifiers: Orphanet 144, MedGen C4552100, MONDO:0005835. Disease mechanism: loss of function.

Submissions (2):

Labcorp Genetics (formerly Invitae), Labcorp
Classification: Uncertain significance for Hereditary nonpolyposis colorectal neoplasms. Last evaluated: 2025-08-21. Review status: criteria provided, single submitter. Criteria: Invitae Variant Classification Sherloc (09022015). Collection method: clinical testing. Allele origin: germline.
Comment: This sequence change replaces glycine, which is neutral and non-polar, with arginine, which is basic and polar, at codon 873 of the MSH6 protein (p.Gly873Arg). This variant is not present in population databases (gnomAD no frequency). This variant has not been reported in the literature in individuals affected with MSH6-related conditions. ClinVar contains an entry for this variant (Variation ID: 1355936). Invitae Evidence Modeling of protein sequence and biophysical properties (such as structural, functional, and spatial information, amino acid conservation, physicochemical variation, residue mobility, and thermodynamic stability) indicates that this missense variant is not expected to disrupt MSH6 protein function with a negative predictive value of 95%. In summary, the available evidence is currently insufficient to determine the role of this variant in disease. Therefore, it has been classified as a Variant of Uncertain Significance.

All of Us Research Program, National Institutes of Health
Classification: Uncertain significance for Lynch syndrome. Last evaluated: 2024-02-05. Review status: criteria provided, single submitter. Criteria: ACMG Guidelines, 2015. Collection method: clinical testing. Allele origin: germline. Inheritance: Autosomal dominant inheritance. Observed: 1 variant allele, 1 heterozygote.
Comment: This missense variant replaces glycine with arginine at codon 873 of the MSH6 protein. Computational prediction suggests that this variant may not impact protein structure and function (internally defined REVEL score threshold <= 0.5, PMID: 27666373). To our knowledge, functional studies have not been reported for this variant. This variant has not been reported in individuals affected with MSH6-related disorders in the literature. This variant has not been identified in the general population by the Genome Aggregation Database (gnomAD). The available evidence is insufficient to determine the role of this variant in disease conclusively. Therefore, this variant is classified as a Variant of Uncertain Significance.

This study involves interpretation of variants in research participants for the purpose of population health screening. Participant phenotype was not available at the time of variant classification. Additional details can be found in publication PMID: 35346344, PMCID: PMC8962531